The following is an entry in ClinVar:

NM_001160148.2(DDHD1):c.424G>A (p.Glu142Lys)

Gene: DDHD1 (DDHD domain containing 1; minus strand). Cytogenetic location: 14q22.1.
Variant type: single nucleotide variant.
Coding change: c.424G>A on transcript NM_001160148.2 (MANE Select); coding-DNA position 424, G replaced by A.
Protein change: p.Glu142Lys; replaces glutamic acid 142 with lysine.
Molecular consequence: missense variant.
Genome position (GRCh38, 1-based): chr14:53,152,675, C>T on the plus strand (G>A on the coding strand, the complement: DDHD1 is on the minus strand). VCF-style: chr14-53152675-C-T. GRCh37 (hg19) VCF-style: chr14-53619393-C-T.
Other names: c.424G>A, p.Glu142Lys (NM_001160147.2, NM_030637.3); short protein forms E142K.
Identifiers: ClinVar variation 1368220 (VCV001368220.3), dbSNP rs1451425803, ClinGen allele CA389780823.

ClinVar aggregate classification (germline): Uncertain significance (1 of 4 stars; one submission).

Conditions:
Hereditary spastic paraplegia 28. Also called: Spastic paraplegia 28, autosomal recessive. Identifiers: Orphanet 101008, MedGen C1836295, MONDO:0012256, OMIM 609340.

Allele frequency attached by ClinVar (database versions not stated): gnomAD exomes below 0.00001; gnomAD 0.00001; TOPMed 0.00001.
gnomAD v4.1: 4 of 1,612,548 alleles (0.00025%); highest among the groups gnomAD compares: African/African-American, 0.0013%; no homozygotes.

Submission:

Labcorp Genetics (formerly Invitae), Labcorp
Classification: Uncertain significance for Hereditary spastic paraplegia 28. Last evaluated: 2022-07-05. Review status: criteria provided, single submitter. Criteria: Invitae Variant Classification Sherloc (09022015). Collection method: clinical testing. Allele origin: germline.
Comment: This sequence change replaces glutamic acid, which is acidic and polar, with lysine, which is basic and polar, at codon 142 of the DDHD1 protein (p.Glu142Lys). This variant is present in population databases (no rsID available, gnomAD 0.0009%). This variant has not been reported in the literature in individuals affected with DDHD1-related conditions. ClinVar contains an entry for this variant (Variation ID: 1368220). Algorithms developed to predict the effect of missense changes on protein structure and function (SIFT, PolyPhen-2, Align-GVGD) all suggest that this variant is likely to be tolerated. In summary, the available evidence is currently insufficient to determine the role of this variant in disease. Therefore, it has been classified as a Variant of Uncertain Significance.